The following is an entry in ClinVar:

NM_000161.3(GCH1):c.541+1G>C

Gene: GCH1 (GTP cyclohydrolase 1; minus strand). Cytogenetic location: 14q22.2.
Variant type: single nucleotide variant.
Coding change: c.541+1G>C on transcript NM_000161.3 (MANE Select); the canonical splice donor site of the intron after coding-DNA position 541, G replaced by C.
Molecular consequence: splice donor variant.
Genome position (GRCh38, 1-based): chr14:54,847,098, C>G on the plus strand (G>C on the coding strand, the complement: GCH1 is on the minus strand). VCF-style: chr14-54847098-C-G. GRCh37 (hg19) VCF-style: chr14-55313816-C-G.
Other names: c.541+1G>C (NM_001024071.2, NM_001024070.2, NM_001024024.2).
Identifiers: ClinVar variation 465762 (VCV000465762.11), dbSNP rs1555358599, ClinGen allele CA389787441.

ClinVar aggregate classification (germline): Pathogenic (1 of 4 stars; one submission).

Conditions:
GTP cyclohydrolase I deficiency. Identifiers: MedGen C0268467, MONDO:0100184.
Dystonia 5 (DRD). Also called: DYSTONIA, PROGRESSIVE, WITH DIURNAL VARIATION; DYSTONIA-PARKINSONISM WITH DIURNAL FLUCTUATION; GTP Cyclohydrolase 1-Deficient Dopa-Responsive Dystonia; Dystonia, DOPA-responsive, with or without hyperphenylalaninemia; DYT-GCH1. Identifiers: Orphanet 98808, MedGen C1851920, MONDO:0007495, OMIM 128230.

Submission:

Labcorp Genetics (formerly Invitae), Labcorp
Classification: Pathogenic for GTP cyclohydrolase I deficiency; Dystonia 5. Last evaluated: 2019-06-25. Review status: criteria provided, single submitter. Criteria: Invitae Variant Classification Sherloc (09022015). Collection method: clinical testing. Allele origin: germline.
Comment: For these reasons, this variant has been classified as Pathogenic. Donor and acceptor splice site variants typically lead to a loss of protein function (PMID: 16199547), and loss-of-function variants in GCH1 are known to be pathogenic (PMID: 19491146). Disruption of this splice site has been observed in several individuals affected with dopa-responsive dystonia (PMID: 11113234, 15753436, Invitae). ClinVar contains an entry for this variant (Variation ID: 465762). This variant is not present in population databases (ExAC no frequency). This sequence change affects a donor splice site in intron 4 of the GCH1 gene. It is expected to disrupt RNA splicing and likely results in an absent or disrupted protein product.

Literature cited by the submitters: PubMed 16199547; PubMed 19491146; PubMed 11113234; PubMed 15753436.